The following is an entry in ClinVar:

ClinVar aggregate classification (germline): Pathogenic (1 of 4 stars; one submission).

Submission:

GeneDx
Classification: Pathogenic. Last evaluated: 2022-03-31. Review status: criteria provided, single submitter. Criteria: GeneDx Variant Classification Process June 2021. Collection method: clinical testing. Allele origin: germline. Affected: yes.
Comment: Frameshift variant predicted to result in protein truncation or nonsense mediated decay in a gene for which loss of function is a known mechanism of disease; Not observed at significant frequency in large population cohorts (gnomAD); Has not been previously published as pathogenic or benign to our knowledge

NM_001127222.2(CACNA1A):c.3169del (p.Gln1057fs)

Gene: CACNA1A (calcium voltage-gated channel subunit alpha1 A; minus strand). Cytogenetic location: 19p13.13.
Variant type: Deletion.
Coding change: c.3169del on transcript NM_001127222.2 (MANE Select); coding-DNA position 3169, one base deleted (C; older notation c.3169delC).
Protein change: p.Gln1057fs; shifts the reading frame from glutamine 1057.
Molecular consequence: frameshift variant.
Genome position (GRCh38, 1-based): chr19:13,286,887, G deleted on the plus strand (C on the coding strand, the reverse complement: CACNA1A is on the minus strand); the first of 2 consecutive G bases (chr19:13,286,887-13,286,888); deleting either gives the same sequence. VCF-style (leftmost placement, unchanged base first): chr19-13286886-TG-T. GRCh37 (hg19) VCF-style: chr19-13397700-TG-T.
Other names: c.3181del, p.Gln1061fs (NM_000068.4, NM_023035.3); c.3171delC, p.Gln1058Lysfs (NM_001127221.1); c.3172del, p.Gln1058fs (NM_001127221.2, NM_001174080.2); short protein forms Q1057fs, Q1058fs, Q1061fs.
Identifiers: ClinVar variation 1707822 (VCV001707822.2), dbSNP rs2512857978, ClinGen allele CA2580096582.